The following is an entry in ClinVar:

ClinVar aggregate classification (germline): Pathogenic/Likely pathogenic. Review status: criteria provided, multiple submitters, no conflicts (2 of 4 stars). 5 submissions from 5 submitters: Pathogenic (4); Likely pathogenic (1). Last evaluated 2023-05-17.

Conditions:
Hereditary cancer-predisposing syndrome. Also called: Hereditary neoplastic syndrome; Hereditary Cancer Syndrome; Tumor predisposition; Neoplastic Syndromes, Hereditary. Identifiers: Orphanet 140162, MedGen C0027672, MeSH D009386, MONDO:0015356.
Familial cancer of breast. Also called: hereditary breast carcinoma; Hereditary breast cancer; BREAST CANCER, FAMILIAL. Identifiers: Orphanet 227535, MedGen C0346153, MONDO:0016419, OMIM 114480. Disease mechanism: loss of function.

Submissions (5):

Myriad Genetics, Inc.
Classification: Pathogenic for Familial cancer of breast. Last evaluated: 2023-05-17. Review status: criteria provided, single submitter. Criteria: Myriad Autosomal Dominant, Autosomal Recessive and X-Linked Classification Criteria (2023). Collection method: clinical testing. Allele origin: unknown.
Comment: This variant is considered pathogenic. This variant creates a termination codon and is predicted to result in premature protein truncation.

Ambry Genetics
Classification: Pathogenic for Hereditary cancer-predisposing syndrome. Last evaluated: 2023-02-23. Review status: criteria provided, single submitter. Criteria: Ambry Variant Classification Scheme 2023. Collection method: clinical testing. Allele origin: germline.
Comment: The p.E27* pathogenic mutation (also known as c.79G>T), located in coding exon 1 of the BARD1 gene, results from a G to T substitution at nucleotide position 79. This changes the amino acid from a glutamic acid to a stop codon within coding exon 1. This variant is considered to be rare based on population cohorts in the Genome Aggregation Database (gnomAD). This alteration is expected to result in loss of function by premature protein truncation or nonsense-mediated mRNA decay. As such, this alteration is interpreted as a disease-causing mutation.

Labcorp Genetics (formerly Invitae), Labcorp
Classification: Pathogenic for Familial cancer of breast. Last evaluated: 2022-02-19. Review status: criteria provided, single submitter. Criteria: Invitae Variant Classification Sherloc (09022015). Collection method: clinical testing. Allele origin: germline.
Comment: This sequence change creates a premature translational stop signal (p.Glu27*) in the BARD1 gene. It is expected to result in an absent or disrupted protein product. Loss-of-function variants in BARD1 are known to be pathogenic (PMID: 20077502, 21344236). This variant is not present in population databases (gnomAD no frequency). This variant has not been reported in the literature in individuals affected with BARD1-related conditions. ClinVar contains an entry for this variant (Variation ID: 438898). Algorithms developed to predict the effect of sequence changes on RNA splicing suggest that this variant may create or strengthen a splice site. For these reasons, this variant has been classified as Pathogenic.

Color Diagnostics, LLC DBA Color Health
Classification: Pathogenic for Hereditary cancer-predisposing syndrome. Last evaluated: 2020-05-13. Review status: criteria provided, single submitter. Criteria: ACMG Guidelines, 2015. Collection method: clinical testing. Allele origin: germline.
Comment: This variant changes 1 nucleotide in exon 1 of the BARD1 gene, creating a premature translation stop signal. This variant is expected to result in an absent or non-functional protein product. To our knowledge, this variant has not been reported in individuals affected with hereditary cancer in the literature. This variant has not been identified in the general population by the Genome Aggregation Database (gnomAD). Loss of BARD1 function is a known mechanism of disease. Based on the available evidence, this variant is classified as Pathogenic.

Quest Diagnostics Nichols Institute San Juan Capistrano
Classification: Likely pathogenic. Last evaluated: 2017-01-12. Review status: criteria provided, single submitter. Criteria: Quest Diagnostics criteria. Collection method: clinical testing. Allele origin: germline.

Literature cited by the submitters: PubMed 20077502 (cited by Labcorp Genetics (formerly Invitae), Labcorp); PubMed 21344236 (cited by Labcorp Genetics (formerly Invitae), Labcorp).

NM_000465.4(BARD1):c.79G>T (p.Glu27Ter)

Gene: BARD1 (BRCA1 associated RING domain 1; minus strand). Cytogenetic location: 2q35.
Variant type: single nucleotide variant.
Coding change: c.79G>T on transcript NM_000465.4 (MANE Select); coding-DNA position 79, G replaced by T.
Protein change: p.Glu27Ter; replaces glutamic acid 27 with a stop codon.
Molecular consequence: nonsense. On other transcripts: non-coding transcript variant (3).
Genome position (GRCh38, 1-based): chr2:214,809,491, C>A on the plus strand (G>T on the coding strand, the complement: BARD1 is on the minus strand). VCF-style: chr2-214809491-C-A. GRCh37 (hg19) VCF-style: chr2-215674215-C-A.
Other names: c.79G>T, p.Glu27Ter (NM_001282543.2, NM_001282545.2, NM_001282548.2 and 1 more transcripts); short protein forms E27*.
Identifiers: ClinVar variation 438898 (VCV000438898.19), dbSNP rs587780037, ClinGen allele CA350465133.